The following is an entry in ClinVar:

NM_000321.3(RB1):c.1050-1G>C

Gene: RB1 (RB transcriptional corepressor 1; plus strand). Cytogenetic location: 13q14.2.
Variant type: single nucleotide variant.
Coding change: c.1050-1G>C on transcript NM_000321.3 (MANE Select); the canonical splice acceptor site of the intron before coding-DNA position 1050, G replaced by C.
Molecular consequence: splice acceptor variant.
Genome position (GRCh38, 1-based): chr13:48,368,526, G>C. VCF-style: chr13-48368526-G-C. GRCh37 (hg19) VCF-style: chr13-48942662-G-C.
Other names: c.1050-1G>C (NM_001407165.1, NM_001407166.1).
Identifiers: ClinVar variation 3236947 (VCV003236947.3), dbSNP rs2542189694.

ClinVar aggregate classification (germline): Pathogenic (1 of 4 stars; one submission).
ClinVar aggregate classification (oncogenicity): Likely oncogenic (1 of 4 stars; one submission).

Conditions:
Retinoblastoma (RB1). Also called: RETINOBLASTOMA, SOMATIC. Identifiers: Orphanet 790, MedGen C0035335, MeSH D012175, MONDO:0008380, OMIM 180200, HP:0009919. Disease mechanism: loss of function. Inheritance: Both sporadic and heritable forms are tested..
Neoplasm. Also called: Neoplasms; Neoplasm (disease); tumor. Identifiers: MedGen C0027651, MeSH D009369, MONDO:0005070, HP:0002664.

Submissions (2):

Center for Genomic Medicine, Rigshospitalet, Copenhagen University Hospital
Classification: Likely oncogenic for Neoplasm. Last evaluated: 2025-03-04. Review status: criteria provided, single submitter. Criteria: ClinGen/CGC/VICC Guidelines for Oncogenicity, 2022. Collection method: clinical testing. Allele origin: somatic. Affected: yes.

Genetic Diagnostic Laboratory, University of Pennsylvania School of Medicine
Classification: Pathogenic for Retinoblastoma. Last evaluated: 2024-05-20. Review status: criteria provided, single submitter. Criteria: ACMG Guidelines, 2015. Collection method: clinical testing. Allele origin: germline. Affected: yes. Observed: 1 variant allele.
Comment: Case and Pedigree Information: BILATERAL CASES:1, UNILATERAL CASES:0, TOTAL CASES:1, PEDIGREES:1. ACMG Codes Applied:PVS1, PM2